The following is an entry in ClinVar:

ClinVar aggregate classification (germline): Uncertain significance (1 of 4 stars; one submission).

Conditions:
Hypertrophic cardiomyopathy 1 (CMH1). Also called: Familial hypertrophic cardiomyopathy 1; MYH7-Related Familial Hypertrophic Cardiomyopathy. Identifiers: MedGen C3495498, MONDO:0008647, OMIM 192600.

Allele frequency attached by ClinVar (database versions not stated): gnomAD 0.00002; TOPMed 0.00002.
gnomAD v4.1: 19 of 1,613,880 alleles (0.0012%); highest among the groups gnomAD compares: South Asian, 0.0055%; no homozygotes.

Submission:

Labcorp Genetics (formerly Invitae), Labcorp
Classification: Uncertain significance for Hypertrophic cardiomyopathy 1. Last evaluated: 2025-09-25. Review status: criteria provided, single submitter. Criteria: Invitae Variant Classification Sherloc (09022015). Collection method: clinical testing. Allele origin: germline.
Comment: This sequence change replaces valine, which is neutral and non-polar, with isoleucine, which is neutral and non-polar, at codon 494 of the MYLK2 protein (p.Val494Ile). This variant is present in population databases (rs768264478, gnomAD 0.006%). This variant has not been reported in the literature in individuals affected with MYLK2-related conditions. ClinVar contains an entry for this variant (Variation ID: 661120). Invitae Evidence Modeling of protein sequence and biophysical properties (such as structural, functional, and spatial information, amino acid conservation, physicochemical variation, residue mobility, and thermodynamic stability) indicates that this missense variant is not expected to disrupt MYLK2 protein function with a negative predictive value of 80%. In summary, the available evidence is currently insufficient to determine the role of this variant in disease. Therefore, it has been classified as a Variant of Uncertain Significance.

NM_033118.4(MYLK2):c.1480G>A (p.Val494Ile)

Gene: MYLK2 (myosin light chain kinase 2; plus strand). Cytogenetic location: 20q11.21.
Variant type: single nucleotide variant.
Coding change: c.1480G>A on transcript NM_033118.4 (MANE Select); coding-DNA position 1480, G replaced by A.
Protein change: p.Val494Ile; replaces valine 494 with isoleucine.
Molecular consequence: missense variant.
Genome position (GRCh38, 1-based): chr20:31,831,758, G>A. VCF-style: chr20-31831758-G-A. GRCh37 (hg19) VCF-style: chr20-30419561-G-A.
Other names: short protein forms V494I.
Identifiers: ClinVar variation 661120 (VCV000661120.6), dbSNP rs768264478, ClinGen allele CA9803238.
Genomic context (GRCh38, chr20:31,831,758, plus strand): 5'-TCTAGGCTGAGCGGCCTCTCCCCCTTCCTGGGAGATGATGACACAGAGACCCTAAACAAC[G>A]TTCTATCTGGCAACTGGTACTTTGATGAAGAGACCTTTGAGGCCGTATCAGACGAGGCCA-3'
Protein context (NP_149109.1, residues 484-504): GDDDTETLNN[Val494Ile]LSGNWYFDEE